The following is an entry in ClinVar:

ClinVar aggregate classification (germline): Uncertain significance (1 of 4 stars; one submission).

Conditions:
Baller-Gerold syndrome (BGS). Also called: CRANIOSYNOSTOSIS WITH RADIAL DEFECTS. Identifiers: Orphanet 1225, MedGen C0265308, MONDO:0009039, OMIM 218600.

Allele frequency attached by ClinVar (database versions not stated): ExAC 0.00001; gnomAD 0.00001; gnomAD exomes 0.00001; TOPMed 0.00001.

Submission:

Labcorp Genetics (formerly Invitae), Labcorp
Classification: Uncertain significance for Baller-Gerold syndrome. Last evaluated: 2025-10-13. Review status: criteria provided, single submitter. Criteria: Invitae Variant Classification Sherloc (09022015). Collection method: clinical testing. Allele origin: germline.
Comment: This sequence change replaces serine, which is neutral and polar, with glycine, which is neutral and non-polar, at codon 1097 of the RECQL4 protein (p.Ser1097Gly). The frequency data for this variant in the population databases is considered unreliable, as metrics indicate poor data quality at this position in the gnomAD database. This variant has not been reported in the literature in individuals affected with RECQL4-related conditions. ClinVar contains an entry for this variant (Variation ID: 1521253). Invitae Evidence Modeling of protein sequence and biophysical properties (such as structural, functional, and spatial information, amino acid conservation, physicochemical variation, residue mobility, and thermodynamic stability) indicates that this missense variant is expected to disrupt RECQL4 protein function with a positive predictive value of 80%. In summary, the available evidence is currently insufficient to determine the role of this variant in disease. Therefore, it has been classified as a Variant of Uncertain Significance.

NM_004260.4(RECQL4):c.3289A>G (p.Ser1097Gly)

Gene: RECQL4 (RecQ like helicase 4; minus strand). Cytogenetic location: 8q24.3.
Variant type: single nucleotide variant.
Coding change: c.3289A>G on transcript NM_004260.4 (MANE Select); coding-DNA position 3289, A replaced by G.
Protein change: p.Ser1097Gly; replaces serine 1097 with glycine.
Molecular consequence: missense variant.
Genome position (GRCh38, 1-based): chr8:144,512,015, T>C on the plus strand (A>G on the coding strand, the complement: RECQL4 is on the minus strand). VCF-style: chr8-144512015-T-C. GRCh37 (hg19) VCF-style: chr8-145737398-T-C.
Other names: short protein forms S1097G.
Identifiers: ClinVar variation 1521253 (VCV001521253.6), dbSNP rs759304160, ClinGen allele CA4947829.